The following is an entry in ClinVar:

NM_001039591.3(USP9X):c.7452T>C (p.Ala2484=)

Gene: USP9X (ubiquitin specific peptidase 9 X-linked; plus strand). Cytogenetic location: Xp11.4.
Variant type: single nucleotide variant.
Coding change: c.7452T>C on transcript NM_001039591.3 (MANE Select); coding-DNA position 7452, T replaced by C.
Protein change: p.Ala2484=; no amino-acid change (alanine 2484 retained).
Molecular consequence: synonymous variant.
Genome position (GRCh38, 1-based): chrX:41,230,521, T>C. VCF-style: chrX-41230521-T-C. GRCh37 (hg19) VCF-style: chrX-41089774-T-C.
Other names: c.7500T>C, p.Ala2500= (NM_001039590.3); c.7515T>C, p.Ala2505= (NM_001410748.1); c.7467T>C, p.Ala2489= (NM_001410749.1).
Identifiers: ClinVar variation 3389910 (VCV003389910.14).

ClinVar aggregate classification (germline): Likely benign (1 of 4 stars; one submission).

gnomAD v4.1: 1 of 1,210,966 alleles (0.000083%); highest among the groups gnomAD compares: Non-Finnish European, 0.00011%; no homozygotes.

Submission:

CeGaT Center for Human Genetics Tuebingen
Classification: Likely benign. Last evaluated: 2024-10-01. Review status: criteria provided, single submitter. Criteria: CeGaT Center For Human Genetics Tuebingen Variant Classification Criteria Version 2. Collection method: clinical testing. Allele origin: germline. Affected: yes. Observed: 1 variant allele.
Comment: USP9X: BP4, BP7